The following is an entry in ClinVar:

ClinVar aggregate classification (germline): Likely benign (1 of 4 stars; one submission).

Submission:

CeGaT Center for Human Genetics Tuebingen
Classification: Likely benign. Last evaluated: 2023-07-01. Review status: criteria provided, single submitter. Criteria: CeGaT Center For Human Genetics Tuebingen Variant Classification Criteria Version 2. Collection method: clinical testing. Allele origin: germline. Affected: yes. Observed: 1 variant allele.
Comment: MSTO1: PM2:Supporting, BP4, BP7

NM_018116.4(MSTO1):c.579G>A (p.Glu193=)

Gene: MSTO1 (misato mitochondrial distribution and morphology regulator 1; plus strand). Cytogenetic location: 1q22.
Variant type: single nucleotide variant.
Coding change: c.579G>A on transcript NM_018116.4 (MANE Select); coding-DNA position 579, G replaced by A.
Protein change: p.Glu193=; no amino-acid change (glutamic acid 193 retained).
Molecular consequence: synonymous variant. On other transcripts: non-coding transcript variant (6).
Genome position (GRCh38, 1-based): chr1:155,612,001, G>A. VCF-style: chr1-155612001-G-A. GRCh37 (hg19) VCF-style: chr1-155581792-G-A.
Other names: c.45G>A, p.Glu15= (NM_001350788.1, NM_001350780.1, NM_001350781.1 and 3 more transcripts); c.36G>A, p.Glu12= (NM_001350789.1, NM_001350784.1, NM_001350785.1 and 1 more transcripts); c.579G>A, p.Glu193= (NM_001256532.1, NM_001256533.1, NM_001350772.1 and 3 more transcripts); c.414G>A, p.Glu138= (NM_001350776.1); c.48G>A, p.Glu16= (NM_001350777.1, NM_001350778.1, NM_001350779.1).
Identifiers: ClinVar variation 2639431 (VCV002639431.24), dbSNP rs2525425224, ClinGen allele CA421250846.